The following is an entry in ClinVar:

NM_005219.5(DIAPH1):c.2483-16162G>A

Gene: DIAPH1 (diaphanous related formin 1; minus strand). Cytogenetic location: 5q31.3.
Variant type: single nucleotide variant.
Coding change: c.2483-16162G>A on transcript NM_005219.5 (MANE Select); 16162 bases into the intron before coding-DNA position 2483, G replaced by A.
Molecular consequence: intron variant.
Genome position (GRCh38, 1-based): chr5:141,550,595, C>T on the plus strand (G>A on the coding strand, the complement: DIAPH1 is on the minus strand). VCF-style: chr5-141550595-C-T. GRCh37 (hg19) VCF-style: chr5-140930162-C-T.
Other names: c.2456-16162G>A (NM_001079812.3); c.2483-16162G>A (NM_001314007.2).
Identifiers: ClinVar variation 2688303 (VCV002688303.2), dbSNP rs11748064, ClinGen allele CA12065281.
Genomic context (GRCh38, chr5:141,550,595, plus strand): 5'-CCGCTCTTGTGTAAGAACTCTCACCCCAGCCCAAGCCCCTAACCACAATAAAAGCCCAAA[C>T]GAATCTCCTTTCCCTGTTCTTTCTTTTCTTTTTTTTTCAAGACAGAGCCTCACTCTATTG-3'

ClinVar aggregate classification (germline): Benign (1 of 4 stars; one submission).

Allele frequency attached by ClinVar (database versions not stated): gnomAD exomes 0.10987; 1000 Genomes Project 30x 0.12945; 1000 Genomes Project 0.13079; gnomAD 0.13370; TOPMed 0.13381.

Submission:

Unidad de Genómica Garrahan, Hospital de Pediatría Garrahan
Classification: Benign. Last evaluated: 2024-01-24. Review status: criteria provided, single submitter. Criteria: ACMG Guidelines, 2015. Collection method: clinical testing. Allele origin: germline. Affected: no. Observed: 24 variant alleles.
Comment: This variant is classified as Benign based on local population frequency. This variant was detected in 25% of patients studied by a panel of primary immunodeficiencies. Number of patients: 24. Only high quality variants are reported.